The following is an entry in ClinVar:

ClinVar aggregate classification (germline): Likely benign (1 of 4 stars; one submission).

Allele frequency attached by ClinVar (database versions not stated): gnomAD exomes below 0.00001; TOPMed below 0.00001; ExAC 0.00001; gnomAD 0.00001.
gnomAD v4.1: 6 of 1,611,758 alleles (0.00037%); highest among the groups gnomAD compares: Non-Finnish European, 0.00051%; no homozygotes.

Submission:

Women's Health and Genetics/Laboratory Corporation of America, LabCorp
Classification: Likely benign. Last evaluated: 2024-03-26. Review status: criteria provided, single submitter. Criteria: LabCorp Variant Classification Summary - May 2015. Collection method: clinical testing. Allele origin: germline.
Comment: Variant summary: GLI2 c.1683+19C>T alters a non-conserved nucleotide located at a position not widely known to affect splicing. Consensus agreement among computation tools predict no significant impact on normal splicing. However, these predictions have yet to be confirmed by functional studies. The variant allele was found at a frequency of 8e-06 in 249532 control chromosomes. The available data on variant occurrences in the general population are insufficient to allow any conclusion about variant significance. To our knowledge, no occurrence of c.1683+19C>T in individuals affected with GLI2-Related Disorders and no experimental evidence demonstrating its impact on protein function have been reported. No submitters have cited clinical-significance assessments for this variant to ClinVar. Based on the evidence outlined above, the variant was classified as likely benign.

NM_001374353.1(GLI2):c.1632+19C>T

Gene: GLI2 (GLI family zinc finger 2; plus strand). Cytogenetic location: 2q14.2.
Variant type: single nucleotide variant.
Coding change: c.1632+19C>T on transcript NM_001374353.1 (MANE Select); 19 bases into the intron after coding-DNA position 1632, C replaced by T.
Molecular consequence: intron variant.
Genome position (GRCh38, 1-based): chr2:120,982,899, C>T. VCF-style: chr2-120982899-C-T. GRCh37 (hg19) VCF-style: chr2-121740475-C-T.
Other names: c.1683+19C>T (NM_001371271.1, NM_005270.5); c.1257+19C>T (NM_001374354.1).
Identifiers: ClinVar variation 3233759 (VCV003233759.2), dbSNP rs762489303, ClinGen allele CA1851973.